The following is an entry in ClinVar:

NM_152564.5(VPS13B):c.2453T>A (p.Leu818His)

Gene: VPS13B (vacuolar protein sorting 13 homolog B; plus strand). Cytogenetic location: 8q22.2.
Variant type: single nucleotide variant.
Coding change: c.2453T>A on transcript NM_152564.5 (MANE Select); coding-DNA position 2453, T replaced by A.
Protein change: p.Leu818His; replaces leucine 818 with histidine.
Molecular consequence: missense variant.
Genome position (GRCh38, 1-based): chr8:99,192,995, T>A. VCF-style: chr8-99192995-T-A. GRCh37 (hg19) VCF-style: chr8-100205223-T-A.
Other names: c.2453T>A, p.Leu818His (NM_015243.3, NM_017890.5); short protein forms L818H.
Identifiers: ClinVar variation 4999135 (VCV004999135.1).

ClinVar aggregate classification (germline): Uncertain significance (1 of 4 stars; one submission).

Conditions:
VPS13B-related disorder. Also called: VPS13B-related condition.

Submission:

PreventionGenetics, part of Exact Sciences
Classification: Uncertain significance for VPS13B-related condition. Last evaluated: 2025-01-17. Review status: criteria provided, single submitter. Criteria: ACMG Guidelines, 2015. Collection method: clinical testing. Allele origin: germline.
Comment: The VPS13B c.2453T>A variant is predicted to result in the amino acid substitution p.Leu818His. To our knowledge, this variant has not been reported in the literature or in a large population database (gnomAD), indicating this variant is rare. At this time, the clinical significance of this variant is uncertain due to the absence of conclusive functional and genetic evidence.